The following is an entry in ClinVar:

ClinVar aggregate classification (germline): Uncertain significance (1 of 4 stars; one submission).

Submission:

Labcorp Genetics (formerly Invitae), Labcorp
Classification: Uncertain significance. Last evaluated: 2026-01-22. Review status: criteria provided, single submitter. Criteria: Invitae Variant Classification Sherloc (09022015). Collection method: clinical testing. Allele origin: germline.
Comment: This sequence change replaces aspartic acid, which is acidic and polar, with valine, which is neutral and non-polar, at codon 526 of the HYOU1 protein (p.Asp526Val). This variant is present in population databases (rs199618551, gnomAD 0.06%), and has an allele count higher than expected for a pathogenic variant. This variant has not been reported in the literature in individuals affected with HYOU1-related conditions. ClinVar contains an entry for this variant (Variation ID: 1490022). Experimental studies and prediction algorithms are not available or were not evaluated, and the functional significance of this variant is currently unknown. In summary, the available evidence is currently insufficient to determine the role of this variant in disease. Therefore, it has been classified as a Variant of Uncertain Significance.

NM_006389.5(HYOU1):c.1577A>T (p.Asp526Val)

Gene: HYOU1 (hypoxia up-regulated 1; minus strand). Cytogenetic location: 11q23.3.
Variant type: single nucleotide variant.
Coding change: c.1577A>T on transcript NM_006389.5 (MANE Select); coding-DNA position 1577, A replaced by T.
Protein change: p.Asp526Val; replaces aspartic acid 526 with valine.
Molecular consequence: missense variant.
Genome position (GRCh38, 1-based): chr11:119,051,123, T>A on the plus strand (A>T on the coding strand, the complement: HYOU1 is on the minus strand). VCF-style: chr11-119051123-T-A. GRCh37 (hg19) VCF-style: chr11-118921835-T-A.
Other names: c.1577A>T, p.Asp526Val (NM_001130991.3); short protein forms D526V.
Identifiers: ClinVar variation 1490022 (VCV001490022.8), dbSNP rs199618551, ClinGen allele CA229621470.